The following is an entry in ClinVar:

NM_001164508.2(NEB):c.21082dup (p.Val7028fs)

Gene: NEB (nebulin; minus strand). Cytogenetic location: 2q23.3.
Variant type: Duplication.
Coding change: c.21082dup on transcript NM_001164508.2 (MANE Select); coding-DNA position 21082, one base duplicated (G; older notation c.21082dupG).
Protein change: p.Val7028fs; shifts the reading frame from valine 7028.
Molecular consequence: frameshift variant.
Genome position (GRCh38, 1-based): chr2:151,537,892, C duplicated on the plus strand (G on the coding strand, the reverse complement: NEB is on the minus strand). VCF-style (leftmost placement, unchanged base first): chr2-151537891-A-AC. GRCh37 (hg19) VCF-style: chr2-152394405-A-AC.
Other names: c.21082dup, p.Val7028fs (NM_001164507.2, NM_001271208.2); c.15979dup, p.Val5327fs (NM_004543.5); short protein forms V5327fs, V7028fs.
Identifiers: ClinVar variation 5011868 (VCV005011868.1).

ClinVar aggregate classification (germline): Pathogenic (1 of 4 stars; one submission).

Conditions:
Nemaline myopathy 2 (NEM2). Also called: Nemaline myopathy 2, autosomal recessive. Identifiers: MedGen C1850569, MONDO:0009725, OMIM 256030.

Submission:

Myriad Genetics, Inc.
Classification: Pathogenic for Nemaline myopathy 2. Last evaluated: 2023-09-27. Review status: criteria provided, single submitter. Criteria: Myriad Autosomal Dominant, Autosomal Recessive and X-Linked Classification Criteria (2023). Collection method: clinical testing. Allele origin: unknown.
Comment: NM_001271208.1(NEB):c.21082dupG(V7028Gfs*3) is expected to be pathogenic in the context of NEB-related nemaline myopathy. This variant is predicted to lead to an abnormal or absent protein product due to the creation of a premature termination codon in NEB, a gene where loss-of-function variants are known to be pathogenic. Please note: this variant was assessed in the context of healthy population screening.